The following is an entry in ClinVar:

NM_000384.3(APOB):c.7475T>A (p.Ile2492Asn)

Gene: APOB (apolipoprotein B; minus strand). Cytogenetic location: 2p24.1.
Variant type: single nucleotide variant.
Coding change: c.7475T>A on transcript NM_000384.3 (MANE Select); coding-DNA position 7475, T replaced by A.
Protein change: p.Ile2492Asn; replaces isoleucine 2492 with asparagine.
Molecular consequence: missense variant.
Genome position (GRCh38, 1-based): chr2:21,009,393, A>T on the plus strand (T>A on the coding strand, the complement: APOB is on the minus strand). VCF-style: chr2-21009393-A-T. GRCh37 (hg19) VCF-style: chr2-21232265-A-T.
Other names: short protein forms I2492N.
Identifiers: ClinVar variation 4680929 (VCV004680929.1).

ClinVar aggregate classification (germline): Uncertain significance (1 of 4 stars; one submission).

Submission:

GeneDx
Classification: Uncertain significance. Last evaluated: 2025-06-24. Review status: criteria provided, single submitter. Criteria: GeneDx Variant Classification Process June 2021. Collection method: clinical testing. Allele origin: germline. Affected: yes.
Comment: Not observed at significant frequency in large population cohorts (gnomAD); In silico analysis supports that this missense variant has a deleterious effect on protein structure/function; Has not been previously published as pathogenic or benign to our knowledge